The following is an entry in ClinVar:

NM_176787.5(PIGN):c.1423A>G (p.Lys475Glu)

Gene: PIGN (phosphatidylinositol glycan anchor biosynthesis class N; minus strand). Cytogenetic location: 18q21.33.
Variant type: single nucleotide variant.
Coding change: c.1423A>G on transcript NM_176787.5 (MANE Select); coding-DNA position 1423, A replaced by G.
Protein change: p.Lys475Glu; replaces lysine 475 with glutamic acid.
Molecular consequence: missense variant.
Genome position (GRCh38, 1-based): chr18:62,113,145, T>C on the plus strand (A>G on the coding strand, the complement: PIGN is on the minus strand). VCF-style: chr18-62113145-T-C. GRCh37 (hg19) VCF-style: chr18-59780378-T-C.
Other names: c.1423A>G, p.Lys475Glu (NM_012327.6); short protein forms K475E.
Identifiers: ClinVar variation 586228 (VCV000586228.16), dbSNP rs375746864, ClinGen allele CA8982303.

ClinVar aggregate classification (germline): Conflicting classifications of pathogenicity. Review status: criteria provided, conflicting classifications (1 of 4 stars). 4 submissions from 4 submitters: Uncertain significance (3); Likely benign (1). Last evaluated 2026-07-29.

Conditions:
Inborn genetic diseases. Identifiers: MedGen C0950123, MeSH D030342.
Multiple congenital anomalies-hypotonia-seizures syndrome 1 (MCAHS1). Also called: PIGN-CDG; Congenital disorder of glycosylation due to PIGN deficiency; GLYCOSYLPHOSPHATIDYLINOSITOL BIOSYNTHESIS DEFECT 3. Identifiers: Orphanet 280633, MedGen C3279775, MONDO:0013563, OMIM 614080.

Allele frequency attached by ClinVar (database versions not stated): ExAC 0.00007; gnomAD exomes 0.00010 and 0.00002; TOPMed 0.00010; ESP Exome Variant Server 0.00008; gnomAD 0.00002.
gnomAD v4.1: 33 of 1,607,128 alleles (0.0021%); highest among the groups gnomAD compares: Admixed American, 0.056%; no homozygotes.

Submissions (4):

GeneDx
Classification: Uncertain significance. Last evaluated: 2026-07-29. Review status: criteria provided, single submitter. Criteria: GeneDx Variant Classification Process June 2021. Collection method: clinical testing. Allele origin: germline.
Comment: In silico analysis suggests that this missense variant does not alter protein structure/function; Has not been previously published as pathogenic or benign to our knowledge

Labcorp Genetics (formerly Invitae), Labcorp
Classification: Likely benign for Multiple congenital anomalies-hypotonia-seizures syndrome 1. Last evaluated: 2026-01-23. Review status: criteria provided, single submitter. Criteria: Invitae Variant Classification Sherloc (09022015). Collection method: clinical testing. Allele origin: germline.

Ambry Genetics
Classification: Uncertain significance for Inborn genetic diseases. Last evaluated: 2025-08-11. Review status: criteria provided, single submitter. Criteria: Ambry Variant Classification Scheme 2023. Collection method: clinical testing. Allele origin: germline.

Athena Diagnostics
Classification: Uncertain significance. Last evaluated: 2017-11-02. Review status: criteria provided, single submitter. Criteria: Athena Diagnostics Criteria. Collection method: clinical testing. Allele origin: germline.